The following is an entry in ClinVar:

ClinVar aggregate classification (germline): Uncertain significance (1 of 4 stars; one submission).

Conditions:
Duchenne muscular dystrophy (DMD). Also called: Duchenne Muscular Dystrophy (DMD); MUSCULAR DYSTROPHY, PSEUDOHYPERTROPHIC PROGRESSIVE, DUCHENNE TYPE. Identifiers: Orphanet 98896, MedGen C0013264, MONDO:0010679, OMIM 310200.

Submission:

Labcorp Genetics (formerly Invitae), Labcorp
Classification: Uncertain significance for Duchenne muscular dystrophy. Last evaluated: 2022-08-06. Review status: criteria provided, single submitter. Criteria: Invitae Variant Classification Sherloc (09022015). Collection method: clinical testing. Allele origin: germline.
Comment: In summary, the available evidence is currently insufficient to determine the role of this variant in disease. Therefore, it has been classified as a Variant of Uncertain Significance. Algorithms developed to predict the effect of sequence changes on RNA splicing suggest that this variant may disrupt the consensus splice site. This variant is not present in population databases (gnomAD no frequency). This variant has not been reported in the literature in individuals affected with DMD-related conditions. ClinVar contains an entry for this variant (Variation ID: 239597). Algorithms developed to predict the effect of missense changes on protein structure and function (SIFT, PolyPhen-2, Align-GVGD) all suggest that this variant is likely to be disruptive. This sequence change replaces glutamic acid, which is acidic and polar, with valine, which is neutral and non-polar, at codon 3502 of the DMD protein (p.Glu3502Val).

NM_004006.3(DMD):c.10505A>T (p.Glu3502Val)

Gene: DMD (dystrophin; minus strand). Cytogenetic location: Xp21.2.
Variant type: single nucleotide variant.
Coding change: c.10505A>T on transcript NM_004006.3 (MANE Select); coding-DNA position 10505, A replaced by T.
Protein change: p.Glu3502Val; replaces glutamic acid 3502 with valine.
Molecular consequence: missense variant. On other transcripts: intron variant (2).
Genome position (GRCh38, 1-based): chrX:31,169,491, T>A on the plus strand (A>T on the coding strand, the complement: DMD is on the minus strand). VCF-style: chrX-31169491-T-A. GRCh37 (hg19) VCF-style: chrX-31187608-T-A.
Other names: c.10481A>T, p.Glu3494Val (NM_000109.4); c.10493A>T, p.Glu3498Val (NM_004009.3); c.10136A>T, p.Glu3379Val (NM_004010.3); c.6482A>T, p.Glu2161Val (NM_004011.4); c.6473A>T, p.Glu2158Val (NM_004012.4); c.3125A>T, p.Glu1042Val (NM_004013.3, NM_004021.3); c.2318A>T, p.Glu773Val (NM_004014.3); c.1301A>T, p.Glu434Val (NM_004015.3, NM_004016.3); and 3 more; short protein forms E3502V, E2158V, E1042V, E2161V, E3379V, E3498V, E1029V, E3494V.
Identifiers: ClinVar variation 239597 (VCV000239597.9), dbSNP rs773880226, ClinGen allele CA10583942.
Genomic context (GRCh38, chrX:31,169,491, plus strand): 5'-AAGAAAACTCACCTGTTTTCTTCCTCAAGATCTGCTAGGATTCTCTCTAGCTCCCCTCTT[T>A]CCTCACTCTCTAAGGAAATCAAGATCTGGGCAGGACTACGAGGCTGGCTCAGGGGGGAGT-3'
Protein context (NP_003997.2, residues 3492-3512): AQILISLESE[Glu3502Val]RGELERILAD